The following is an entry in ClinVar:

ClinVar aggregate classification (germline): Likely pathogenic (1 of 4 stars; one submission).

Submission:

Labcorp Genetics (formerly Invitae), Labcorp
Classification: Likely pathogenic. Last evaluated: 2022-08-05. Review status: criteria provided, single submitter. Criteria: Invitae Variant Classification Sherloc (09022015). Collection method: clinical testing. Allele origin: germline.
Comment: This variant results in a copy number gain of the genomic region encompassing exon(s) 15-36 of the EYS gene. While the exact position of this variant cannot be determined from the data, sub-genic copy number gains are generally in tandem (PMID: 25640679). This variant is predicted to be out-of-frame, and may result in an absent or disrupted protein product. Loss-of-function variants in EYS are known to be pathogenic (PMID: 18836446, 20333770). In summary, the currently available evidence indicates that the variant is pathogenic, but additional data are needed to prove that conclusively. Therefore, this variant has been classified as Likely Pathogenic. A similar copy number variant has been observed in individual(s) with EYS-related condition (Invitae).

Literature cited by the submitters: PubMed 25640679; PubMed 18836446; PubMed 20333770.

NC_000006.11:g.(?_64574059)_(65655827_?)dup

Gene: EYS (eyes shut homolog; minus strand). Cytogenetic location: 6q12.
Variant type: Duplication.
Identifiers: ClinVar variation 2423856 (VCV002423856.4).